The following is an entry in ClinVar:

ClinVar aggregate classification (germline): Likely pathogenic (1 of 4 stars; one submission).

Conditions:
Achromatopsia. Also called: Rod monochromatism. Identifiers: Orphanet 49382, MedGen C0152200, MONDO:0018852, HP:0011516.

Submission:

Natera, Inc.
Classification: Likely pathogenic for Achromatopsia. Last evaluated: 2024-09-04. Review status: criteria provided, single submitter. Criteria: Natera Variant Classification Schema (03/2026). Collection method: clinical testing. Allele origin: germline.
Comment: The c.1047T>A variant in CNGB3 is a nonsense variant predicted to introduce a stop codon at amino acid 349. This variant is expected to result in nonsense mediated decay, truncation, or a dysfunctional protein product. This variant is rare in the general population with a frequency below the threshold expected for the associated phenotype(s). Given the available evidence, this variant is classified as Likely Pathogenic.

NM_019098.5(CNGB3):c.1047T>A (p.Tyr349Ter)

Gene: CNGB3 (cyclic nucleotide gated channel subunit beta 3; minus strand). Cytogenetic location: 8q21.3.
Variant type: single nucleotide variant.
Coding change: c.1047T>A on transcript NM_019098.5 (MANE Select); coding-DNA position 1047, T replaced by A.
Protein change: p.Tyr349Ter; replaces tyrosine 349 with a stop codon.
Molecular consequence: nonsense.
Genome position (GRCh38, 1-based): chr8:86,644,630, A>T on the plus strand (T>A on the coding strand, the complement: CNGB3 is on the minus strand). VCF-style: chr8-86644630-A-T. GRCh37 (hg19) VCF-style: chr8-87656858-A-T.
Other names: short protein forms Y349*.
Identifiers: ClinVar variation 4816010 (VCV004816010.1).